The following is an entry in ClinVar:

NM_005060.4(RORC):c.1099C>G (p.Arg367Gly)

Gene: RORC (RAR related orphan receptor C; minus strand). Cytogenetic location: 1q21.3.
Variant type: single nucleotide variant.
Coding change: c.1099C>G on transcript NM_005060.4 (MANE Select); coding-DNA position 1099, C replaced by G.
Protein change: p.Arg367Gly; replaces arginine 367 with glycine.
Molecular consequence: missense variant.
Genome position (GRCh38, 1-based): chr1:151,813,314, G>C on the plus strand (C>G on the coding strand, the complement: RORC is on the minus strand). VCF-style: chr1-151813314-G-C. GRCh37 (hg19) VCF-style: chr1-151785790-G-C.
Other names: c.1036C>G, p.Arg346Gly (LRG_1322t2, NM_001001523.2); c.1099C>G, p.Arg367Gly (LRG_1322t1); short protein forms R346G, R367G.
Identifiers: ClinVar variation 648974 (VCV000648974.6), dbSNP rs1572036408, ClinGen allele CA342012257.

ClinVar aggregate classification (germline): Uncertain significance (1 of 4 stars; one submission).

Conditions:
Autosomal recessive mendelian susceptibility to mycobacterial diseases due to complete RORgamma receptor deficiency. Also called: Immunodeficiency 42. Identifiers: Orphanet 477857, MedGen C5567647, MONDO:0014710, OMIM 616622.

Submission:

Labcorp Genetics (formerly Invitae), Labcorp
Classification: Uncertain significance for Autosomal recessive mendelian susceptibility to mycobacterial diseases due to complete RORgamma receptor deficiency. Last evaluated: 2021-09-01. Review status: criteria provided, single submitter. Criteria: Invitae Variant Classification Sherloc (09022015). Collection method: clinical testing. Allele origin: germline.
Comment: This sequence change replaces arginine with glycine at codon 367 of the RORC protein (p.Arg367Gly). The arginine residue is highly conserved and there is a moderate physicochemical difference between arginine and glycine. This variant is not present in population databases (ExAC no frequency). This variant has not been reported in the literature in individuals affected with RORC-related conditions. Algorithms developed to predict the effect of missense changes on protein structure and function are either unavailable or do not agree on the potential impact of this missense change (SIFT: "Tolerated"; PolyPhen-2: "Probably Damaging"; Align-GVGD: "Class C0"). In summary, the available evidence is currently insufficient to determine the role of this variant in disease. Therefore, it has been classified as a Variant of Uncertain Significance.